The following is an entry in ClinVar:

NM_001167.4(XIAP):c.778C>T (p.Pro260Ser)

Gene: XIAP (X-linked inhibitor of apoptosis; plus strand). Cytogenetic location: Xq25.
Variant type: single nucleotide variant.
Coding change: c.778C>T on transcript NM_001167.4 (MANE Select); coding-DNA position 778, C replaced by T.
Protein change: p.Pro260Ser; replaces proline 260 with serine.
Molecular consequence: missense variant.
Genome position (GRCh38, 1-based): chrX:123,886,440, C>T. VCF-style: chrX-123886440-C-T. GRCh37 (hg19) VCF-style: chrX-123020290-C-T.
Other names: c.778C>T, p.Pro260Ser (NM_001204401.2, NM_001378590.1, NM_001378591.1 and 1 more transcripts); short protein forms P260S.
Identifiers: ClinVar variation 1469744 (VCV001469744.9), dbSNP rs2148090201, ClinGen allele CA414124569.

ClinVar aggregate classification (germline): Conflicting classifications of pathogenicity. Review status: criteria provided, conflicting classifications (1 of 4 stars). 2 submissions from 2 submitters: Uncertain significance (1); Likely benign (1). Last evaluated 2024-09-20.

Conditions:
X-linked lymphoproliferative disease due to XIAP deficiency. Also called: XIAP-Related Lymphoproliferative Disease, X-Linked; XIAP DEFICIENCY. Identifiers: Orphanet 2442, Orphanet 538934, MedGen C1845076, MONDO:0010385, OMIM 300635.

Submissions (2):

3billion
Classification: Likely benign for X-linked lymphoproliferative disease due to XIAP deficiency. Last evaluated: 2024-09-20. Review status: criteria provided, single submitter. Criteria: ACMG Guidelines, 2015. Collection method: clinical testing. Allele origin: germline. Affected: no.
Comment: The hemizygous variant was found in patients with no symptoms related to the gene containing the hemizygous variant.

Labcorp Genetics (formerly Invitae), Labcorp
Classification: Uncertain significance for X-linked lymphoproliferative disease due to XIAP deficiency. Last evaluated: 2022-02-05. Review status: criteria provided, single submitter. Criteria: Invitae Variant Classification Sherloc (09022015). Collection method: clinical testing. Allele origin: germline.
Comment: In summary, the available evidence is currently insufficient to determine the role of this variant in disease. Therefore, it has been classified as a Variant of Uncertain Significance. Algorithms developed to predict the effect of missense changes on protein structure and function are either unavailable or do not agree on the potential impact of this missense change (SIFT: "Not Available"; PolyPhen-2: "Benign"; Align-GVGD: "Not Available"). This variant has not been reported in the literature in individuals affected with XIAP-related conditions. This variant is not present in population databases (gnomAD no frequency). This sequence change replaces proline, which is neutral and non-polar, with serine, which is neutral and polar, at codon 260 of the XIAP protein (p.Pro260Ser).